The following is an entry in ClinVar:

NM_001113378.2(FANCI):c.3000_3004del (p.Pro1001fs)

Gene: FANCI (FA complementation group I; plus strand). Cytogenetic location: 15q26.1.
Variant type: Microsatellite.
Coding change: c.3000_3004del on transcript NM_001113378.2 (MANE Select); coding-DNA positions 3000 to 3004, 5 bases deleted (TCCTC; older notation c.3000_3004delTCCTC).
Protein change: p.Pro1001fs; shifts the reading frame from proline 1001.
Molecular consequence: frameshift variant.
Genome position (GRCh38, 1-based): chr15:89,301,436-89,301,440, TCCTC deleted; deleting any 5 consecutive bases within chr15:89,301,430-89,301,440 gives the same sequence; the c. name uses the placement nearest the transcript's 3' end. VCF-style (leftmost placement, unchanged base first): chr15-89301429-CCTCCT-C. GRCh37 (hg19) VCF-style: chr15-89844660-CCTCCT-C.
Other names: c.2721_2725del, p.Pro908fs (NM_001376910.1); c.3000_3004del, p.Pro1001fs (NM_001376911.1); c.2820_2824del, p.Pro941fs (NM_018193.3); c.3000_3004delTCCTC (NM_001113378.1); short protein forms P1001fs, P941fs, P908fs.
Identifiers: ClinVar variation 651938 (VCV000651938.6), dbSNP rs1596318782, ClinGen allele CA915946113.
Genomic context (GRCh38, chr15:89,301,429, plus strand): 5'-ATAGCAAAGAAGCCCTCCTGCTAGTCACGGTTCTTACCAGTTTGTCCAAGTTACTGGAGC[CCTCCT>C]CTCCTCAGGTACTAGTACCGCTAACTTAATCCCATTTAGCATTCCTCAGAAGGCAAGGAT-3'

ClinVar aggregate classification (germline): Pathogenic (1 of 4 stars; one submission).

Conditions:
Fanconi anemia (FA). Also called: Fanconi's anemia. Identifiers: Orphanet 84, MedGen C0015625, MeSH D005199, MONDO:0019391.

Submission:

Labcorp Genetics (formerly Invitae), Labcorp
Classification: Pathogenic for Fanconi anemia. Last evaluated: 2018-09-25. Review status: criteria provided, single submitter. Criteria: Invitae Variant Classification Sherloc (09022015). Collection method: clinical testing. Allele origin: germline.
Comment: Loss-of-function variants in FANCI are known to be pathogenic (PMID: 17452773, 17460694). For these reasons, this variant has been classified as Pathogenic. This variant has not been reported in the literature in individuals with FANCI-related disease. This variant is not present in population databases (ExAC no frequency). This sequence change creates a premature translational stop signal (p.Pro1001Valfs*38) in the FANCI gene. It is expected to result in an absent or disrupted protein product.

Literature cited by the submitters: PubMed 17452773; PubMed 17460694.